The following is an entry in ClinVar:

ClinVar aggregate classification (germline): Uncertain significance (1 of 4 stars; one submission).

Submission:

Labcorp Genetics (formerly Invitae), Labcorp
Classification: Uncertain significance. Last evaluated: 2023-10-14. Review status: criteria provided, single submitter. Criteria: Invitae Variant Classification Sherloc (09022015). Collection method: clinical testing. Allele origin: germline.
Comment: This sequence change replaces serine, which is neutral and polar, with arginine, which is basic and polar, at codon 471 of the SLC12A6 protein (p.Ser471Arg). This variant is not present in population databases (gnomAD no frequency). This variant has not been reported in the literature in individuals affected with SLC12A6-related conditions. ClinVar contains an entry for this variant (Variation ID: 1721333). Advanced modeling of protein sequence and biophysical properties (such as structural, functional, and spatial information, amino acid conservation, physicochemical variation, residue mobility, and thermodynamic stability) performed at Invitae indicates that this missense variant is not expected to disrupt SLC12A6 protein function. In summary, the available evidence is currently insufficient to determine the role of this variant in disease. Therefore, it has been classified as a Variant of Uncertain Significance.

NM_001365088.1(SLC12A6):c.1411A>C (p.Ser471Arg)

Gene: SLC12A6 (solute carrier family 12 member 6; minus strand). Cytogenetic location: 15q14.
Variant type: single nucleotide variant.
Coding change: c.1411A>C on transcript NM_001365088.1 (MANE Select); coding-DNA position 1411, A replaced by C.
Protein change: p.Ser471Arg; replaces serine 471 with arginine.
Molecular consequence: missense variant.
Genome position (GRCh38, 1-based): chr15:34,250,980, T>G on the plus strand (A>C on the coding strand, the complement: SLC12A6 is on the minus strand). VCF-style: chr15-34250980-T-G. GRCh37 (hg19) VCF-style: chr15-34543181-T-G.
Other names: c.1234A>C, p.Ser412Arg (NM_001042494.2, NM_001042495.2); c.1384A>C, p.Ser462Arg (NM_001042496.2); c.1366A>C, p.Ser456Arg (NM_001042497.2); c.1258A>C, p.Ser420Arg (NM_005135.2); c.1411A>C, p.Ser471Arg (NM_133647.2); short protein forms S412R, S420R, S456R, S462R, S471R.
Identifiers: ClinVar variation 1721333 (VCV001721333.5), dbSNP rs1892347956, ClinGen allele CA391606258.